The following is an entry in ClinVar:

NM_000329.3(RPE65):c.1357A>G (p.Lys453Glu)

Gene: RPE65 (retinoid isomerohydrolase RPE65; minus strand). Cytogenetic location: 1p31.3.
Variant type: single nucleotide variant.
Coding change: c.1357A>G on transcript NM_000329.3 (MANE Select); coding-DNA position 1357, A replaced by G.
Protein change: p.Lys453Glu; replaces lysine 453 with glutamic acid.
Molecular consequence: missense variant.
Genome position (GRCh38, 1-based): chr1:68,431,158, T>C on the plus strand (A>G on the coding strand, the complement: RPE65 is on the minus strand). VCF-style: chr1-68431158-T-C. GRCh37 (hg19) VCF-style: chr1-68896841-T-C.
Other names: c.1249A>G, p.Lys417Glu (NM_001406853.1); c.1081A>G, p.Lys361Glu (NM_001406856.1, NM_001406857.1); short protein forms K361E, K453E, K417E.
Identifiers: ClinVar variation 2926705 (VCV002926705.2), dbSNP rs143435745, ClinGen allele CA902190.

ClinVar aggregate classification (germline): Uncertain significance. Review status: criteria provided, multiple submitters, no conflicts (2 of 4 stars). 2 submissions from 2 submitters: Uncertain significance (2). Last evaluated 2023-07-17.

Conditions:
Retinitis pigmentosa 20 (RP20). Identifiers: Orphanet 791, MedGen C3151086, MONDO:0013425, OMIM 613794.
Leber congenital amaurosis 2 (LCA2). Also called: AMAUROSIS CONGENITA OF LEBER II; Autosomal Recessive RPE65-Related Retinal Degeneration. Identifiers: Orphanet 65, MedGen C1859844, MONDO:0008765, OMIM 204100. Disease mechanism: loss of function.

Allele frequency attached by ClinVar (database versions not stated): ExAC 0.00002; TOPMed 0.00002; gnomAD 0.00003; ESP Exome Variant Server 0.00008.
gnomAD v4.1: 5 of 1,613,692 alleles (0.00031%); highest among the groups gnomAD compares: African/African-American, 0.0067%; no homozygotes.

Submissions (2):

Labcorp Genetics (formerly Invitae), Labcorp
Classification: Uncertain significance for Leber congenital amaurosis 2; Retinitis pigmentosa 20. Last evaluated: 2023-07-17. Review status: criteria provided, single submitter. Criteria: Invitae Variant Classification Sherloc (09022015). Collection method: clinical testing. Allele origin: germline.
Comment: In summary, the available evidence is currently insufficient to determine the role of this variant in disease. Therefore, it has been classified as a Variant of Uncertain Significance. Advanced modeling of protein sequence and biophysical properties (such as structural, functional, and spatial information, amino acid conservation, physicochemical variation, residue mobility, and thermodynamic stability) performed at Invitae indicates that this missense variant is not expected to disrupt RPE65 protein function. This variant has not been reported in the literature in individuals affected with RPE65-related conditions. This variant is present in population databases (rs143435745, gnomAD 0.007%). This sequence change replaces lysine, which is basic and polar, with glutamic acid, which is acidic and polar, at codon 453 of the RPE65 protein (p.Lys453Glu).

Blueprint Genetics
Classification: Uncertain significance. Last evaluated: 2020-11-17. Review status: criteria provided, single submitter. Criteria: ACMG Guidelines, 2015. Collection method: clinical testing. Allele origin: germline.